The following is an entry in ClinVar:

ClinVar aggregate classification (germline): Likely benign. Review status: criteria provided, single submitter (1 of 4 stars). 2 submissions from 2 submitters: Likely benign (1). 1 of the submissions does not count toward it. Last evaluated 2023-03-20.

Conditions:
Rubinstein-Taybi syndrome due to EP300 haploinsufficiency. Also called: EP300-Related Rubinstein-Taybi Syndrome; RUBINSTEIN-TAYBI SYNDROME 2. Identifiers: Orphanet 353284, Orphanet 783, MedGen C3150941, MONDO:0013364, OMIM 613684.
EP300-related disorder. Also called: EP300-related condition; EP300-related disorders.

Allele frequency attached by ClinVar (database versions not stated): ExAC 0.00002; gnomAD exomes 0.00002; gnomAD 0.00003; TOPMed 0.00003; ESP Exome Variant Server 0.00008.
gnomAD v4.1: 14 of 1,614,090 alleles (0.00087%); highest among the groups gnomAD compares: African/African-American, 0.0053%; no homozygotes.

Submissions (2):

Labcorp Genetics (formerly Invitae), Labcorp
Classification: Likely benign for Rubinstein-Taybi syndrome due to EP300 haploinsufficiency. Last evaluated: 2023-03-20. Review status: criteria provided, single submitter. Criteria: Invitae Variant Classification Sherloc (09022015). Collection method: clinical testing. Allele origin: germline.

PreventionGenetics, part of Exact Sciences
Classification: Likely benign for EP300-related condition. Last evaluated: 2021-12-30. Review status: no assertion criteria provided. Collection method: clinical testing. Allele origin: germline. Not counted in ClinVar's aggregate classification.
Comment: This variant is classified as likely benign based on ACMG/AMP sequence variant interpretation guidelines (Richards et al. 2015 PMID: 25741868, with internal and published modifications).

NM_001429.4(EP300):c.6193C>T (p.Leu2065=)

Gene: EP300 (EP300 lysine acetyltransferase; plus strand). Cytogenetic location: 22q13.2.
Variant type: single nucleotide variant.
Coding change: c.6193C>T on transcript NM_001429.4 (MANE Select); coding-DNA position 6193, C replaced by T.
Protein change: p.Leu2065=; no amino-acid change (leucine 2065 retained).
Molecular consequence: synonymous variant.
Genome position (GRCh38, 1-based): chr22:41,177,904, C>T. VCF-style: chr22-41177904-C-T. GRCh37 (hg19) VCF-style: chr22-41573908-C-T.
Other names: c.6193C>T (NM_001429.3); c.6115C>T, p.Leu2039= (NM_001362843.2).
Identifiers: ClinVar variation 2913478 (VCV002913478.4), dbSNP rs377556812, ClinGen allele CA10253796.
Genomic context (GRCh38, chr22:41,177,904, plus strand): 5'-ACTGTGTCTCAACAAGCCTTACAAAACCTTTTGCGGACTCTCAGGTCTCCCAGCTCTCCC[C>T]TGCAGCAGCAACAGGTGCTTAGTATCCTTCACGCCAACCCCCAGCTGTTGGCTGCATTCA-3'
Protein context (NP_001420.2, residues 2055-2075): LRTLRSPSSP[Leu2065=]QQQQVLSILH